The following is an entry in ClinVar:

NM_006580.4(CLDN16):c.*243C>T

Gene: CLDN16 (claudin 16; plus strand). Cytogenetic location: 3q28.
Variant type: single nucleotide variant.
Coding change: c.*243C>T on transcript NM_006580.4 (MANE Select); 243 bases downstream of the stop codon, C replaced by T.
Molecular consequence: 3 prime UTR variant.
Genome position (GRCh38, 1-based): chr3:190,410,279, C>T. VCF-style: chr3-190410279-C-T. GRCh37 (hg19) VCF-style: chr3-190128068-C-T.
Other names: c.*243C>T (NM_001378492.1, NM_001378493.1).
Identifiers: ClinVar variation 344454 (VCV000344454.6), dbSNP rs142380851, ClinGen allele CA10615942.

ClinVar aggregate classification (germline): Benign. Review status: criteria provided, multiple submitters, no conflicts (2 of 4 stars). 2 submissions from 2 submitters: Benign (2). Last evaluated 2018-01-12.

Conditions:
Primary hypomagnesemia (HOMG3). Also called: HYPOMAGNESEMIA 3, RENAL; HYPOMAGNESEMIA, FAMILIAL, WITH HYPERCALCIURIA AND NEPHROCALCINOSIS; HYPOMAGNESEMIA, ISOLATED RENAL; HYPOMAGNESEMIA, PRIMARY, DUE TO DEFECT IN RENAL TUBULAR TRANSPORT OF MAGNESIUM. Identifiers: Orphanet 31043, MedGen C0268448, MONDO:0009550, OMIM 248250.

Allele frequency attached by ClinVar (database versions not stated): gnomAD 0.00278 and 0.00451; TOPMed 0.00341; 1000 Genomes Project 30x 0.01249; 1000 Genomes Project 0.01318.
gnomAD v4.1: 3,942 of 497,036 alleles (0.79%); highest among the groups gnomAD compares: South Asian, 5.2%; 95 homozygotes.

Submissions (2):

Illumina Laboratory Services, Illumina
Classification: Benign for Primary hypomagnesemia. Last evaluated: 2018-01-12. Review status: criteria provided, single submitter. Criteria: ICSL Variant Classification Criteria 13 December 2019. Collection method: clinical testing. Allele origin: germline.
Comment: This variant was observed in the ICSL laboratory as part of a predisposition screen in an ostensibly healthy population. It had not been previously curated by ICSL or reported in the Human Gene Mutation Database (HGMD: prior to June 1st, 2018), and was therefore a candidate for classification through an automated scoring system. Utilizing variant allele frequency, disease prevalence and penetrance estimates, and inheritance mode, an automated score was calculated to assess if this variant is too frequent to cause the disease. Based on the score and internal cut-off values, a variant classified as benign is not then subjected to further curation. The score for this variant resulted in a classification of benign for this disease.

Breakthrough Genomics
Classification: Benign. Review status: criteria provided, single submitter. Criteria: ACMG Guidelines, 2015. Collection method: not provided. Allele origin: germline. Inheritance: Autosomal recessive inheritance. Affected: yes.